The following is an entry in ClinVar:

ClinVar aggregate classification (germline): Uncertain significance (1 of 4 stars; one submission).

Conditions:
MHC class II deficiency. Also called: Bare lymphocyte syndrome 2; BLS, TYPE II. Identifiers: Orphanet 572, MedGen C5447452, MONDO:0008855.

Submission:

Labcorp Genetics (formerly Invitae), Labcorp
Classification: Uncertain significance for MHC class II deficiency. Last evaluated: 2022-08-23. Review status: criteria provided, single submitter. Criteria: Invitae Variant Classification Sherloc (09022015). Collection method: clinical testing. Allele origin: germline.
Comment: This sequence change replaces glutamic acid, which is acidic and polar, with valine, which is neutral and non-polar, at codon 705 of the CIITA protein (p.Glu705Val). This variant is not present in population databases (gnomAD no frequency). In summary, the available evidence is currently insufficient to determine the role of this variant in disease. Therefore, it has been classified as a Variant of Uncertain Significance. Algorithms developed to predict the effect of missense changes on protein structure and function (SIFT, PolyPhen-2, Align-GVGD) all suggest that this variant is likely to be tolerated. This variant has not been reported in the literature in individuals affected with CIITA-related conditions.

NM_000246.4(CIITA):c.2114A>T (p.Glu705Val)

Gene: CIITA (class II major histocompatibility complex transactivator; plus strand). Cytogenetic location: 16p13.13.
Variant type: single nucleotide variant.
Coding change: c.2114A>T on transcript NM_000246.4 (MANE Select); coding-DNA position 2114, A replaced by T.
Protein change: p.Glu705Val; replaces glutamic acid 705 with valine.
Molecular consequence: missense variant. On other transcripts: intron variant (1).
Genome position (GRCh38, 1-based): chr16:10,907,606, A>T. VCF-style: chr16-10907606-A-T. GRCh37 (hg19) VCF-style: chr16-11001463-A-T.
Other names: c.2117A>T, p.Glu706Val (NM_001286402.1, NM_001379332.1); c.1970A>T, p.Glu657Val (NM_001379330.1); c.1967A>T, p.Glu656Val (NM_001379331.1); c.2114A>T, p.Glu705Val (NM_001379333.1); c.2045A>T, p.Glu682Val (NM_001379334.1); c.860-1377A>T (NM_001286403.2); short protein forms E657V, E682V, E656V, E705V, E706V.
Identifiers: ClinVar variation 2131983 (VCV002131983.4), dbSNP rs2544490526, ClinGen allele CA394732411.